The following is an entry in ClinVar:

ClinVar aggregate classification (germline): Likely pathogenic. Review status: criteria provided, multiple submitters, no conflicts (2 of 4 stars). 3 submissions from 3 submitters: Likely pathogenic (3). Last evaluated 2024-11-19.

Conditions:
Congenital myasthenic syndrome 4A. Also called: MYASTHENIC SYNDROME, CONGENITAL, 4A, SLOW-CHANNEL, AUTOSOMAL RECESSIVE; Myasthenic syndrome, congenital, 4a, slow-channel; CONGENITAL MYASTHENIC SYNDROME TYPE Ia1. Identifiers: Orphanet 590, MedGen C4225413, MONDO:0011600, OMIM 605809.
Congenital myasthenic syndrome (CMS). Also called: Congenital Myasthenic Syndromes. Identifiers: Orphanet 590, MedGen C0751882, MeSH D020294, MONDO:0018940.

Allele frequency attached by ClinVar (database versions not stated): gnomAD exomes below 0.00001.
gnomAD v4.1: 6 of 1,587,060 alleles (0.00038%); highest among the groups gnomAD compares: Non-Finnish European, 0.00051%; no homozygotes.

Submissions (3):

Natera, Inc.
Classification: Likely pathogenic for Congenital myasthenic syndrome. Last evaluated: 2024-11-19. Review status: criteria provided, single submitter. Criteria: Natera Variant Classification Schema (03/2026). Collection method: clinical testing. Allele origin: germline.
Comment: The c.1032+1G>A variant in CHRNE is a canonical splice donor site variant predicted to affect pre-mRNA splicing, which may result in an abnormal transcript and altered protein product. This variant is expected to result in nonsense mediated decay, truncation, or a dysfunctional protein product. This variant is rare in the general population with a frequency below the threshold expected for the associated phenotype(s). Given the available evidence, this variant is classified as Likely Pathogenic.

Baylor Genetics
Classification: Likely pathogenic for Congenital myasthenic syndrome 4A. Last evaluated: 2023-09-11. Review status: criteria provided, single submitter. Criteria: ACMG Guidelines, 2015. Collection method: clinical testing. Allele origin: unknown.

Labcorp Genetics (formerly Invitae), Labcorp
Classification: Likely pathogenic for Congenital myasthenic syndrome 4A. Last evaluated: 2021-11-07. Review status: criteria provided, single submitter. Criteria: Invitae Variant Classification Sherloc (09022015). Collection method: clinical testing. Allele origin: germline.
Comment: This sequence change affects a donor splice site in intron 9 of the CHRNE gene. RNA analysis indicates that disruption of this splice site induces altered splicing and may result in an absent or disrupted protein product. The frequency data for this variant in the population databases is considered unreliable, as metrics indicate poor data quality at this position in the gnomAD database. Disruption of this splice site has been observed in individual(s) with congenital myasthenic syndrome (PMID: 11408331). Studies have shown that disruption of this splice site results in skipping of exon 9 and introduces a premature termination codon (PMID: 11408331). The resulting mRNA is expected to undergo nonsense-mediated decay. In summary, the currently available evidence indicates that the variant is pathogenic, but additional data are needed to prove that conclusively. Therefore, this variant has been classified as Likely Pathogenic.

Literature cited by the submitters: PubMed 11408331 (cited by Labcorp Genetics (formerly Invitae), Labcorp).

NM_000080.4(CHRNE):c.1032+1G>A

Gene: CHRNE (cholinergic receptor nicotinic epsilon subunit; minus strand). Cytogenetic location: 17p13.2.
Variant type: single nucleotide variant.
Coding change: c.1032+1G>A on transcript NM_000080.4 (MANE Select); the canonical splice donor site of the intron after coding-DNA position 1032, G replaced by A.
Molecular consequence: splice donor variant.
Genome position (GRCh38, 1-based): chr17:4,899,467, C>T on the plus strand (G>A on the coding strand, the complement: CHRNE is on the minus strand). VCF-style: chr17-4899467-C-T. GRCh37 (hg19) VCF-style: chr17-4802762-C-T.
Other names: c.1032+1G>A (NM_000080.3).
Identifiers: ClinVar variation 1501328 (VCV001501328.8), dbSNP rs1458613529, ClinGen allele CA397300766.